The following is an entry in ClinVar:

ClinVar aggregate classification (germline): Uncertain significance (1 of 4 stars; one submission).

Conditions:
Hereditary cancer-predisposing syndrome. Also called: Hereditary Cancer Syndrome; Hereditary neoplastic syndrome; Neoplastic Syndromes, Hereditary; Tumor predisposition. Identifiers: Orphanet 140162, MedGen C0027672, MeSH D009386, MONDO:0015356.

Submission:

Ambry Genetics
Classification: Uncertain significance for Hereditary cancer-predisposing syndrome. Last evaluated: 2022-08-09. Review status: criteria provided, single submitter. Criteria: Ambry Variant Classification Scheme 2023. Collection method: clinical testing. Allele origin: germline.
Comment: The p.V515A variant (also known as c.1544T>C), located in coding exon 11 of the PTCH1 gene, results from a T to C substitution at nucleotide position 1544. The valine at codon 515 is replaced by alanine, an amino acid with similar properties. This amino acid position is conserved. In addition, this alteration is predicted to be deleterious by in silico analysis. Since supporting evidence is limited at this time, the clinical significance of this alteration remains unclear.

NM_000264.5(PTCH1):c.1544T>C (p.Val515Ala)

Gene: PTCH1 (patched 1; minus strand). Cytogenetic location: 9q22.32.
Variant type: single nucleotide variant.
Coding change: c.1544T>C on transcript NM_000264.5 (MANE Select); coding-DNA position 1544, T replaced by C.
Protein change: p.Val515Ala; replaces valine 515 with alanine.
Molecular consequence: missense variant. On other transcripts: non-coding transcript variant (1).
Genome position (GRCh38, 1-based): chr9:95,476,817, A>G on the plus strand (T>C on the coding strand, the complement: PTCH1 is on the minus strand). VCF-style: chr9-95476817-A-G. GRCh37 (hg19) VCF-style: chr9-98239099-A-G.
Other names: c.1346T>C, p.Val449Ala (NM_001083602.3); c.1541T>C, p.Val514Ala (NM_001083603.3); c.1091T>C, p.Val364Ala (NM_001083604.3, NM_001083605.3, NM_001083606.3 and 1 more transcripts); c.1388T>C, p.Val463Ala (NM_001354918.2); short protein forms V364A, V515A, V449A, V463A, V514A.
Identifiers: ClinVar variation 1774908 (VCV001774908.2), dbSNP rs1057518491, ClinGen allele CA374118272.